The following is an entry in ClinVar:

NM_004531.5(MOCS2):c.82G>A (p.Ala28Thr)

Gene: MOCS2 (molybdenum cofactor synthesis 2; minus strand). Cytogenetic location: 5q11.2.
Variant type: single nucleotide variant.
Coding change: c.82G>A on transcript NM_004531.5 (MANE Select); coding-DNA position 82, G replaced by A.
Protein change: p.Ala28Thr; replaces alanine 28 with threonine.
Molecular consequence: missense variant. On other transcripts: 3 prime UTR variant (1).
Genome position (GRCh38, 1-based): chr5:53,107,093, C>T on the plus strand (G>A on the coding strand, the complement: MOCS2 is on the minus strand). VCF-style: chr5-53107093-C-T. GRCh37 (hg19) VCF-style: chr5-52402923-C-T.
Other names: c.*2G>A (NM_176806.4); c.82G>A, p.Ala28Thr (NM_183418.1); short protein forms A28T.
Identifiers: ClinVar variation 2005862 (VCV002005862.3), dbSNP rs745900184, ClinGen allele CA3263747.

ClinVar aggregate classification (germline): Uncertain significance (1 of 4 stars; one submission).

Allele frequency attached by ClinVar (database versions not stated): ExAC 0.00001; gnomAD 0.00001; TOPMed 0.00001.

Submission:

Labcorp Genetics (formerly Invitae), Labcorp
Classification: Uncertain significance. Last evaluated: 2022-06-29. Review status: criteria provided, single submitter. Criteria: Invitae Variant Classification Sherloc (09022015). Collection method: clinical testing. Allele origin: germline.
Comment: Algorithms developed to predict the effect of missense changes on protein structure and function output the following: SIFT: "Tolerated"; PolyPhen-2: "Benign"; Align-GVGD: "Class C0". The threonine amino acid residue is found in multiple mammalian species, which suggests that this missense change does not adversely affect protein function. This sequence change replaces alanine, which is neutral and non-polar, with threonine, which is neutral and polar, at codon 28 of the MOCS2B protein (p.Ala28Thr). This variant is present in population databases (rs745900184, gnomAD 0.007%). This variant has not been reported in the literature in individuals affected with MOCS2B-related conditions. In summary, the available evidence is currently insufficient to determine the role of this variant in disease. Therefore, it has been classified as a Variant of Uncertain Significance.